The following is an entry in ClinVar:

NM_153240.5(NPHP3):c.2035T>G (p.Ser679Ala)

Genes: NPHP3 (nephrocystin 3; minus strand), NPHP3-ACAD11 (NPHP3-ACAD11 readthrough (NMD candidate); minus strand). Cytogenetic location: 3q22.1.
Variant type: single nucleotide variant.
Coding change: c.2035T>G on transcript NM_153240.5 (MANE Select); coding-DNA position 2035, T replaced by G.
Protein change: p.Ser679Ala; replaces serine 679 with alanine.
Molecular consequence: missense variant. On other transcripts: non-coding transcript variant (1).
Genome position (GRCh38, 1-based): chr3:132,697,313, A>C on the plus strand (T>G on the coding strand, the complement: NPHP3 is on the minus strand). VCF-style: chr3-132697313-A-C. GRCh37 (hg19) VCF-style: chr3-132416157-A-C.
Other names: short protein forms S679A.
Identifiers: ClinVar variation 1061706 (VCV001061706.9), dbSNP rs767716649, ClinGen allele CA354582238.

ClinVar aggregate classification (germline): Uncertain significance (1 of 4 stars; one submission).

Conditions:
Nephronophthisis. Also called: Juvenile Nephronophthisis. Identifiers: Orphanet 655, MedGen C0687120, MONDO:0019005, HP:0000090.

gnomAD v4.1: 2 of 1,612,676 alleles (0.00012%); highest among the groups gnomAD compares: Non-Finnish European, 0.00017%; no homozygotes.

Submission:

Labcorp Genetics (formerly Invitae), Labcorp
Classification: Uncertain significance for Nephronophthisis. Last evaluated: 2020-04-01. Review status: criteria provided, single submitter. Criteria: Invitae Variant Classification Sherloc (09022015). Collection method: clinical testing. Allele origin: germline.
Comment: In summary, the available evidence is currently insufficient to determine the role of this variant in disease. Therefore, it has been classified as a Variant of Uncertain Significance. Algorithms developed to predict the effect of missense changes on protein structure and function output the following: SIFT: "Tolerated"; PolyPhen-2: "Benign"; Align-GVGD: "Class C0". The alanine amino acid residue is found in multiple mammalian species, suggesting that this missense change does not adversely affect protein function. These predictions have not been confirmed by published functional studies and their clinical significance is uncertain. This variant has not been reported in the literature in individuals with NPHP3-related conditions. This variant is not present in population databases (ExAC no frequency). This sequence change replaces serine with alanine at codon 679 of the NPHP3 protein (p.Ser679Ala). The serine residue is highly conserved and there is a moderate physicochemical difference between serine and alanine.